The following is an entry in ClinVar:

NM_000531.6(OTC):c.867+1G>A

Gene: OTC (ornithine transcarbamylase; plus strand). Cytogenetic location: Xp11.4.
Variant type: single nucleotide variant.
Coding change: c.867+1G>A on transcript NM_000531.6 (MANE Select); the canonical splice donor site of the intron after coding-DNA position 867, G replaced by A.
Molecular consequence: splice donor variant.
Genome position (GRCh38, 1-based): chrX:38,409,026, G>A. VCF-style: chrX-38409026-G-A. GRCh37 (hg19) VCF-style: chrX-38268279-G-A.
Other names: c.867+1G>A (NM_001407092.1).
Identifiers: ClinVar variation 97342 (VCV000097342.2), dbSNP rs66512766, ClinGen allele CA224813.
Genomic context (GRCh38, chrX:38,409,026, plus strand): 5'-CAAGAAGAGGAGAAGAAAAAGCGGCTCCAGGCTTTCCAAGGTTACCAGGTTACAATGAAG[G>A]TACAAATTGATGCCTCTCTGAAGGTTCATTAATTCCATTCATGAAGGCCAGAACCATCTA-3'

ClinVar aggregate classification (germline): Pathogenic (0 of 4 stars; one submission).

Submission:

GenMed Metabolism Lab
Classification: Pathogenic. Review status: no assertion criteria provided. Collection method: not provided. Allele origin: unknown.
Comment: Neonatal, Donor splice site error
ClinVar note: Converted during submission from pathogenic to Pathogenic.